The following is an entry in ClinVar:

ClinVar aggregate classification (germline): Pathogenic/Likely pathogenic. Review status: criteria provided, multiple submitters, no conflicts (2 of 4 stars). 2 submissions from 2 submitters: Pathogenic (1); Likely pathogenic (1). Last evaluated 2024-05-31.

Submissions (2):

GeneDx
Classification: Pathogenic. Last evaluated: 2024-05-31. Review status: criteria provided, single submitter. Criteria: GeneDx Variant Classification Process June 2021. Collection method: clinical testing. Allele origin: germline. Affected: yes.
Comment: Occurs in the triple helical domain and replaces a glycine in a canonical Gly-X-Y repeat; missense substitution of a canonical glycine residue is expected to disrupt normal protein folding and function, and this is an established mechanism of disease (PMID: 34007986); Not observed at significant frequency in large population cohorts (gnomAD); In silico analysis supports that this missense variant has a deleterious effect on protein structure/function; This variant is associated with the following publications: (PMID: 25525159, 34007986, 36307859, 20179744)

Labcorp Genetics (formerly Invitae), Labcorp
Classification: Likely pathogenic. Last evaluated: 2022-06-07. Review status: criteria provided, single submitter. Criteria: Invitae Variant Classification Sherloc (09022015). Collection method: clinical testing. Allele origin: germline.
Comment: Advanced modeling of protein sequence and biophysical properties (such as structural, functional, and spatial information, amino acid conservation, physicochemical variation, residue mobility, and thermodynamic stability) performed at Invitae indicates that this missense variant is expected to disrupt COL2A1 protein function. This missense change has been observed in individual(s) with clinical features of autosomal dominant Stickler syndrome (PMID: 20179744; Invitae). This variant is not present in population databases (gnomAD no frequency). This sequence change replaces glycine, which is neutral and non-polar, with aspartic acid, which is acidic and polar, at codon 492 of the COL2A1 protein (p.Gly492Asp). This variant disrupts the triple helix domain of COL2A1. Glycine residues within the Gly-Xaa-Yaa repeats of the triple helix domain are required for the structure and stability of fibrillar collagens (PMID: 7695699, 8218237, 19344236). In COL2A1, variants affecting these glycine residues are significantly enriched in individuals with disease (PMID: 9016532, 17078022) compared to the general population (ExAC). In summary, the currently available evidence indicates that the variant is pathogenic, but additional data are needed to prove that conclusively. Therefore, this variant has been classified as Likely Pathogenic. This variant disrupts the p.Gly492 amino acid residue in COL2A1. Other variant(s) that disrupt this residue have been observed in individuals with COL2A1-related conditions (PMID: 7550321, 30130436), which suggests that this may be a clinically significant amino acid residue.

Literature cited by the submitters: PubMed 20179744 (cited by Labcorp Genetics (formerly Invitae), Labcorp); PubMed 7695699 (cited by Labcorp Genetics (formerly Invitae), Labcorp); PubMed 8218237 (cited by Labcorp Genetics (formerly Invitae), Labcorp); PubMed 19344236 (cited by Labcorp Genetics (formerly Invitae), Labcorp); PubMed 9016532 (cited by Labcorp Genetics (formerly Invitae), Labcorp); PubMed 17078022 (cited by Labcorp Genetics (formerly Invitae), Labcorp); PubMed 7550321 (cited by Labcorp Genetics (formerly Invitae), Labcorp); PubMed 30130436 (cited by Labcorp Genetics (formerly Invitae), Labcorp).

NM_001844.5(COL2A1):c.1475G>A (p.Gly492Asp)

Gene: COL2A1 (collagen type II alpha 1 chain; minus strand). Cytogenetic location: 12q13.11.
Variant type: single nucleotide variant.
Coding change: c.1475G>A on transcript NM_001844.5 (MANE Select); coding-DNA position 1475, G replaced by A.
Protein change: p.Gly492Asp; replaces glycine 492 with aspartic acid.
Molecular consequence: missense variant.
Genome position (GRCh38, 1-based): chr12:47,986,388, C>T on the plus strand (G>A on the coding strand, the complement: COL2A1 is on the minus strand). VCF-style: chr12-47986388-C-T. GRCh37 (hg19) VCF-style: chr12-48380171-C-T.
Other names: c.1268G>A, p.Gly423Asp (NM_033150.3); c.1475G>A (NM_001844.4); short protein forms G492D, G423D.
Identifiers: ClinVar variation 2137339 (VCV002137339.5), dbSNP rs121912881, ClinGen allele CA384552651.
Genomic context (GRCh38, chr12:47,986,388, plus strand): 5'-CACTTAACTCTTTCTCCAGGGGGACCGATGGGCCCAACGCCACCAGGCTCTCCACGGGCA[C>T]CTCTCTTGCCTTCTTCACCAGCGGGTCCAGGGGCTCCCTGGGGGCCAGCAGGGCCCTGAG-3'
Protein context (NP_001835.3, residues 482-502): PGPAGEEGKR[Gly492Asp]ARGEPGGVGP